The following is an entry in ClinVar:

ClinVar aggregate classification (germline): Conflicting classifications of pathogenicity. Review status: criteria provided, conflicting classifications (1 of 4 stars). 7 submissions from 7 submitters: Uncertain significance (5); Likely benign (2). Last evaluated 2026-01-28.

Conditions:
Epilepsy, progressive myoclonic, 1B. Also called: PME. Identifiers: Orphanet 308, MedGen C2676254, MONDO:0012904, OMIM 612437.

Allele frequency attached by ClinVar (database versions not stated): gnomAD exomes 0.00015 and 0.00037; ExAC 0.00039; 1000 Genomes Project 30x 0.00094; 1000 Genomes Project 0.00100; gnomAD 0.00146 and 0.00160; ESP Exome Variant Server 0.00154; TOPMed 0.00195.

Submissions (7):

Labcorp Genetics (formerly Invitae), Labcorp
Classification: Likely benign for Epilepsy, progressive myoclonic, 1B. Last evaluated: 2026-01-28. Review status: criteria provided, single submitter. Criteria: Invitae Variant Classification Sherloc (09022015). Collection method: clinical testing. Allele origin: germline.

Women's Health and Genetics/Laboratory Corporation of America, LabCorp
Classification: Uncertain significance. Last evaluated: 2024-10-17. Review status: criteria provided, single submitter. Criteria: LabCorp Variant Classification Summary - May 2015. Collection method: clinical testing. Allele origin: germline.
Comment: Variant summary: PRICKLE1 c.2404C>T (p.Pro802Ser) results in a non-conservative amino acid change in the encoded protein sequence. Four of five in-silico tools predict a benign effect of the variant on protein function. The variant allele was found at a frequency of 0.00028 in 1614148 control chromosomes in the gnomAD database, including 1 homozygote. This frequency is not significantly higher than estimated for a pathogenic variant in PRICKLE1 causing Epilepsy, progressive myoclonic, 1B, allowing no conclusion about variant significance. To our knowledge, no occurrence of c.2404C>T in individuals affected with Epilepsy, progressive myoclonic, 1B and no experimental evidence demonstrating its impact on protein function have been reported. ClinVar contains an entry for this variant (Variation ID: 206656). Based on the evidence outlined above, the variant was classified as uncertain significance.

Blueprint Genetics
Classification: Uncertain significance. Last evaluated: 2024-03-28. Review status: criteria provided, single submitter. Criteria: ACMG Guidelines, 2015. Collection method: clinical testing. Allele origin: germline.

Ambry Genetics
Classification: Likely benign. Last evaluated: 2018-04-26. Review status: criteria provided, single submitter. Criteria: Ambry Variant Classification Scheme 2023. Collection method: clinical testing. Allele origin: germline.

GeneDx
Classification: Uncertain significance. Last evaluated: 2018-02-02. Review status: criteria provided, single submitter. Criteria: GeneDx Variant Classification (06012015). Collection method: clinical testing. Allele origin: germline. Affected: yes.
Comment: A variant of uncertain significance has been identified in the PRICKLE1 gene. The P802S variant has not been published as a pathogenic variant, nor has it been reported as a benign variant to our knowledge. The P802S variant is observed in 45/10,406 (0.4%) alleles from individuals of African background (Lek et al., 2016; 1000 Genomes Consortium et al., 2015; Exome Variant Server). The P802S variant is a non-conservative amino acid substitution, which is likely to impact secondary protein structure as these residues differ in polarity, charge, size and/or other properties. However, this substitution occurs at a position that is not conserved, and Serine is observed at this position in another species. Additionally, in silico analysis predicts this variant likely does not alter the protein structure/function. Therefore, based on the currently available information, it is unclear whether this variant is a pathogenic variant or a rare benign variant.

Eurofins Ntd Llc (ga)
Classification: Uncertain significance. Last evaluated: 2017-07-14. Review status: criteria provided, single submitter. Criteria: EGL Classification Definitions 2015. Collection method: clinical testing. Allele origin: germline. Observed: 2 variant alleles, 2 heterozygotes.

Athena Diagnostics
Classification: Uncertain significance. Last evaluated: 2017-02-02. Review status: criteria provided, single submitter. Criteria: Athena Diagnostics Criteria. Collection method: clinical testing. Allele origin: germline.

NM_153026.3(PRICKLE1):c.2404C>T (p.Pro802Ser)

Gene: PRICKLE1 (prickle planar cell polarity protein 1; minus strand). Cytogenetic location: 12q12.
Variant type: single nucleotide variant.
Coding change: c.2404C>T on transcript NM_153026.3 (MANE Select); coding-DNA position 2404, C replaced by T.
Protein change: p.Pro802Ser; replaces proline 802 with serine.
Molecular consequence: missense variant.
Genome position (GRCh38, 1-based): chr12:42,459,901, G>A on the plus strand (C>T on the coding strand, the complement: PRICKLE1 is on the minus strand). VCF-style: chr12-42459901-G-A. GRCh37 (hg19) VCF-style: chr12-42853703-G-A.
Other names: p.P802S:CCA>TCA; c.2404C>T, p.Pro802Ser (NM_001144881.2, NM_001144882.2, NM_001144883.2); short protein forms P802S.
Identifiers: ClinVar variation 206656 (VCV000206656.24), dbSNP rs150545495, ClinGen allele CA316964.
Genomic context (GRCh38, chr12:42,459,901, plus strand): 5'-CCTTTTTCTTCTTGGATTTTGTTGTCCTCTGACCAAACTGAGGGGTGGGAAGTGCAGATG[G>A]TGGACTAGAAAGGTCATCTGTATAGTAGGCAAATCTCTGTGGCCGGGGTTGAGGGATTGG-3'
Protein context (NP_694571.2, residues 792-812): AYYTDDLSSP[Pro802Ser]SALPTPQFGQ